The following is an entry in ClinVar:

ClinVar aggregate classification (germline): Uncertain significance. Review status: criteria provided, multiple submitters, no conflicts (2 of 4 stars). 3 submissions from 3 submitters: Uncertain significance (3). Last evaluated 2025-12-14.

Conditions:
Multiple endocrine neoplasia type 4. Also called: MULTIPLE ENDOCRINE NEOPLASIA, TYPE IV. Identifiers: Orphanet 276152, MedGen C1970712, MONDO:0012552, OMIM 610755.
Hereditary cancer-predisposing syndrome. Also called: Neoplastic Syndromes, Hereditary; Hereditary Cancer Syndrome; Hereditary neoplastic syndrome; Tumor predisposition. Identifiers: Orphanet 140162, MedGen C0027672, MeSH D009386, MONDO:0015356.

Allele frequency attached by ClinVar (database versions not stated): TOPMed 0.00001.

Submissions (3):

Labcorp Genetics (formerly Invitae), Labcorp
Classification: Uncertain significance for Multiple endocrine neoplasia type 4. Last evaluated: 2025-12-14. Review status: criteria provided, single submitter. Criteria: Invitae Variant Classification Sherloc (09022015). Collection method: clinical testing. Allele origin: germline.
Comment: This sequence change replaces arginine, which is basic and polar, with leucine, which is neutral and non-polar, at codon 113 of the CDKN1B protein (p.Arg113Leu). This variant is not present in population databases (gnomAD no frequency). This variant has not been reported in the literature in individuals affected with CDKN1B-related conditions. ClinVar contains an entry for this variant (Variation ID: 641542). An algorithm developed to predict the effect of missense changes on protein structure and function (PolyPhen-2) suggests that this variant is likely to be tolerated. In summary, the available evidence is currently insufficient to determine the role of this variant in disease. Therefore, it has been classified as a Variant of Uncertain Significance.

Ambry Genetics
Classification: Uncertain significance for Hereditary cancer-predisposing syndrome. Last evaluated: 2025-11-28. Review status: criteria provided, single submitter. Criteria: Ambry Variant Classification Scheme 2023. Collection method: clinical testing. Allele origin: germline.
Comment: The p.R113L variant (also known as c.338G>T), located in coding exon 1 of the CDKN1B gene, results from a G to T substitution at nucleotide position 338. The arginine at codon 113 is replaced by leucine, an amino acid with dissimilar properties. This amino acid position is not well conserved in available vertebrate species. In addition, the in silico prediction for this alteration is inconclusive. Since supporting evidence is limited at this time, the clinical significance of this alteration remains unclear.

Fulgent Genetics
Classification: Uncertain significance for Multiple endocrine neoplasia type 4. Last evaluated: 2024-04-02. Review status: criteria provided, single submitter. Criteria: ACMG Guidelines, 2015. Collection method: clinical testing. Allele origin: germline.

NM_004064.5(CDKN1B):c.338G>T (p.Arg113Leu)

Gene: CDKN1B (cyclin dependent kinase inhibitor 1B; plus strand). Cytogenetic location: 12p13.1.
Variant type: single nucleotide variant.
Coding change: c.338G>T on transcript NM_004064.5 (MANE Select); coding-DNA position 338, G replaced by T.
Protein change: p.Arg113Leu; replaces arginine 113 with leucine.
Molecular consequence: missense variant.
Genome position (GRCh38, 1-based): chr12:12,718,177, G>T. VCF-style: chr12-12718177-G-T. GRCh37 (hg19) VCF-style: chr12-12871111-G-T.
Other names: short protein forms R113L.
Identifiers: ClinVar variation 641542 (VCV000641542.15), dbSNP rs767109665, ClinGen allele CA383970292.